The following is an entry in ClinVar:

NM_000051.4(ATM):c.5141T>G (p.Met1714Arg)

Gene: ATM (ATM serine/threonine kinase; plus strand). Cytogenetic location: 11q22.3.
Variant type: single nucleotide variant.
Coding change: c.5141T>G on transcript NM_000051.4 (MANE Select); coding-DNA position 5141, T replaced by G.
Protein change: p.Met1714Arg; replaces methionine 1714 with arginine.
Molecular consequence: missense variant.
Genome position (GRCh38, 1-based): chr11:108,299,849, T>G. VCF-style: chr11-108299849-T-G. GRCh37 (hg19) VCF-style: chr11-108170576-T-G.
Other names: c.5141T>G, p.Met1714Arg (NM_001351834.2); short protein forms M1714R.
Identifiers: ClinVar variation 658558 (VCV000658558.12), dbSNP rs1591702873, ClinGen allele CA382540975.

ClinVar aggregate classification (germline): Uncertain significance. Review status: criteria provided, multiple submitters, no conflicts (2 of 4 stars). 2 submissions from 2 submitters: Uncertain significance (2). Last evaluated 2025-11-17.

Conditions:
Hereditary cancer-predisposing syndrome. Also called: Neoplastic Syndromes, Hereditary; Hereditary neoplastic syndrome; Hereditary Cancer Syndrome; Tumor predisposition. Identifiers: Orphanet 140162, MedGen C0027672, MeSH D009386, MONDO:0015356.
Ataxia-telangiectasia syndrome (AT). Also called: ATAXIA-TELANGIECTASIA, FRESNO VARIANT; Ataxia-telangiectasia, complementation group D; Cerebello-oculocutaneous telangiectasia; Immunodeficiency with ataxia telangiectasia; Ataxia-telangiectasia; Ataxia telangiectasia (A-T). Identifiers: Orphanet 100, MedGen C0004135, MONDO:0008840, OMIM 208900.

Submissions (2):

Ambry Genetics
Classification: Uncertain significance for Hereditary cancer-predisposing syndrome. Last evaluated: 2025-11-17. Review status: criteria provided, single submitter. Criteria: Ambry Variant Classification Scheme 2023. Collection method: clinical testing. Allele origin: germline.
Comment: The p.M1714R variant (also known as c.5141T>G), located in coding exon 33 of the ATM gene, results from a T to G substitution at nucleotide position 5141. The methionine at codon 1714 is replaced by arginine, an amino acid with similar properties. This amino acid position is not well conserved in available vertebrate species. In addition, the in silico prediction for this alteration is inconclusive. Since supporting evidence is limited at this time, the clinical significance of this alteration remains unclear.

Labcorp Genetics (formerly Invitae), Labcorp
Classification: Uncertain significance for Ataxia-telangiectasia syndrome. Last evaluated: 2025-09-16. Review status: criteria provided, single submitter. Criteria: Invitae Variant Classification Sherloc (09022015). Collection method: clinical testing. Allele origin: germline.
Comment: This sequence change replaces methionine, which is neutral and non-polar, with arginine, which is basic and polar, at codon 1714 of the ATM protein (p.Met1714Arg). This variant is not present in population databases (gnomAD no frequency). This variant has not been reported in the literature in individuals affected with ATM-related conditions. ClinVar contains an entry for this variant (Variation ID: 658558). Invitae Evidence Modeling of protein sequence and biophysical properties (such as structural, functional, and spatial information, amino acid conservation, physicochemical variation, residue mobility, and thermodynamic stability) indicates that this missense variant is not expected to disrupt ATM protein function with a negative predictive value of 95%. In summary, the available evidence is currently insufficient to determine the role of this variant in disease. Therefore, it has been classified as a Variant of Uncertain Significance.